The following is an entry in ClinVar:

NM_001723.7(DST):c.3374G>C (p.Arg1125Pro)

Gene: DST (dystonin; minus strand). Cytogenetic location: 6p12.1.
Variant type: single nucleotide variant.
Coding change: c.3374G>C on transcript NM_001723.7 (MANE Plus Clinical); coding-DNA position 3374, G replaced by C.
Protein change: p.Arg1125Pro; replaces arginine 1125 with proline.
Molecular consequence: missense variant. On other transcripts: intron variant (10).
Genome position (GRCh38, 1-based): chr6:56,620,660, C>G on the plus strand (G>C on the coding strand, the complement: DST is on the minus strand). VCF-style: chr6-56620660-C-G. GRCh37 (hg19) VCF-style: chr6-56485458-C-G.
Other names: c.4830+3870G>C (NM_001144769.5); c.4929+3870G>C (NM_001374722.1, NM_001374736.1); c.4956+3870G>C (NM_001374734.1); c.4416+3870G>C (NM_001144770.2); c.4296+3870G>C (NM_001374730.1, NM_001386100.1, NM_183380.4 and 1 more transcripts); c.3318+3870G>C (NM_015548.5); short protein forms R1125P.
Identifiers: ClinVar variation 663792 (VCV000663792.9), dbSNP rs528372361, ClinGen allele CA139210909.

ClinVar aggregate classification (germline): Uncertain significance (1 of 4 stars; one submission).

Conditions:
Epidermolysis bullosa simplex 3, localized or generalized intermediate, with BP230 deficiency (EBS3). Also called: Epidermolysis bullosa simplex due to BP230 deficiency; Epidermolysis bullosa simplex, autosomal recessive 2. Identifiers: Orphanet 412181, MedGen C3809470, MONDO:0014180, OMIM 615425.
Hereditary sensory and autonomic neuropathy type 6. Also called: HSAN VI; Neuropathy, hereditary sensory and autonomic, type VI. Identifiers: Orphanet 314381, MedGen C3539003, MONDO:0013839, OMIM 614653.

Allele frequency attached by ClinVar (database versions not stated): TOPMed 0.00002.
gnomAD v4.1: 17 of 1,614,008 alleles (0.0011%); highest among the groups gnomAD compares: Non-Finnish European, 0.0014%; no homozygotes.

Submission:

Labcorp Genetics (formerly Invitae), Labcorp
Classification: Uncertain significance for Epidermolysis bullosa simplex 3, localized or generalized intermediate, with BP230 deficiency; Hereditary sensory and autonomic neuropathy type 6. Last evaluated: 2024-05-31. Review status: criteria provided, single submitter. Criteria: Invitae Variant Classification Sherloc (09022015). Collection method: clinical testing. Allele origin: germline.
Comment: This sequence change replaces arginine, which is basic and polar, with proline, which is neutral and non-polar, at codon 1125 of the DST protein (p.Arg1125Pro). This variant is present in population databases (rs528372361, gnomAD 0.0009%). This variant has not been reported in the literature in individuals affected with DST-related conditions. ClinVar contains an entry for this variant (Variation ID: 663792). An algorithm developed to predict the effect of missense changes on protein structure and function (PolyPhen-2) suggests that this variant is likely to be disruptive. In summary, the available evidence is currently insufficient to determine the role of this variant in disease. Therefore, it has been classified as a Variant of Uncertain Significance.